The following is an entry in ClinVar:

ClinVar aggregate classification (germline): Uncertain significance (1 of 4 stars; one submission).

Conditions:
Familial hyperaldosteronism type III. Also called: FH III; Familial hyperaldosteronism type 3. Identifiers: Orphanet 251274, MedGen C3838758, MONDO:0013359, OMIM 613677.
Long QT syndrome 13 (LQT13). Identifiers: Orphanet 101016, Orphanet 768, MedGen C3150733, MONDO:0013279, OMIM 613485.

gnomAD v4.1: 1 of 1,614,250 alleles (0.000062%); no homozygotes.

Submission:

Juno Genomics, Hangzhou Juno Genomics, Inc
Classification: Uncertain significance for Familial hyperaldosteronism type III; Long QT syndrome 13. Review status: criteria provided, single submitter. Criteria: ACMG Guidelines, 2015. Collection method: clinical testing. Allele origin: germline. Affected: yes.
Comment: Absent from controls (or at extremely low frequency if recessive) in Genome Aggregation Database, Exome Sequencing Project, 1000 Genomes Project, or Exome Aggregation Consortium.;Multiple lines of computational evidence support a deleterious effect on the gene or gene product (conservation, evolutionary, splicing impact, etc).;Patient's phenotype or family history is highly specific for a disease with a single genetic etiology.

NM_000890.5(KCNJ5):c.168G>C (p.Lys56Asn)

Gene: KCNJ5 (potassium inwardly rectifying channel subfamily J member 5; plus strand). Cytogenetic location: 11q24.3.
Variant type: single nucleotide variant.
Coding change: c.168G>C on transcript NM_000890.5 (MANE Select); coding-DNA position 168, G replaced by C.
Protein change: p.Lys56Asn; replaces lysine 56 with asparagine.
Molecular consequence: missense variant.
Genome position (GRCh38, 1-based): chr11:128,911,441, G>C. VCF-style: chr11-128911441-G-C. GRCh37 (hg19) VCF-style: chr11-128781336-G-C.
Other names: c.168G>C, p.Lys56Asn (NM_001354169.2); short protein forms K56N.
Identifiers: ClinVar variation 3383039 (VCV003383039.2).
Genomic context (GRCh38, chr11:128,911,441, plus strand): 5'-CACAGACCGTACGCGCCTGCTGGCCGAGGGCAAGAAGCCACGCCAGCGCTACATGGAGAA[G>C]AGTGGCAAGTGCAACGTGCACCACGGCAACGTCCAGGAGACCTACCGGTACCTGAGTGAC-3'
Protein context (NP_000881.3, residues 46-66): GKKPRQRYME[Lys56Asn]SGKCNVHHGN